The following is an entry in ClinVar:

NM_001009944.3(PKD1):c.5142del (p.Phe1714fs)

Gene: PKD1 (polycystin 1, transient receptor potential channel interacting; minus strand). Cytogenetic location: 16p13.3.
Variant type: Deletion.
Coding change: c.5142del on transcript NM_001009944.3 (MANE Select); coding-DNA position 5142, one base deleted (C; older notation c.5142delC).
Protein change: p.Phe1714fs; shifts the reading frame from phenylalanine 1714.
Molecular consequence: frameshift variant.
Genome position (GRCh38, 1-based): chr16:2,110,025, G deleted on the plus strand (C on the coding strand, the reverse complement: PKD1 is on the minus strand). VCF-style (leftmost placement, unchanged base first): chr16-2110024-CG-C. GRCh37 (hg19) VCF-style: chr16-2160025-CG-C.
Other names: c.5142del, p.Phe1714fs (NM_000296.4); c.5142delC (NM_001009944.3); short protein forms F1714fs.
Identifiers: ClinVar variation 873363 (VCV000873363.1), dbSNP rs2092458566, ClinGen allele CA1139664396.

ClinVar aggregate classification (germline): Pathogenic (1 of 4 stars; one submission).

Conditions:
Polycystic kidney disease, adult type (PKD1). Also called: POLYCYSTIC KIDNEY DISEASE 1 WITH OR WITHOUT POLYCYSTIC LIVER DISEASE; Polycystic Kidney Disease 1, Autosomal Dominant; Polycystic kidney disease 1; Polycystic kidney disease 1, severe; Polycystic Kidney, Autosomal Dominant; POLYCYSTIC KIDNEY DISEASE, ADULT, TYPE I. Identifiers: MedGen C3149841, MONDO:0008263, OMIM 173900.

Submission:

Cavalleri Lab, Royal College of Surgeons in Ireland
Classification: Pathogenic for Polycystic kidney disease, adult type. Last evaluated: 2020-02-05. Review status: criteria provided, single submitter. Criteria: ACMG Guidelines, 2015. Collection method: research. Allele origin: unknown. Inheritance: Autosomal dominant inheritance. Affected: yes.
Comment: PVS1, PM2, PP4, PP5